The following is an entry in ClinVar:

NM_005633.4(SOS1):c.3145A>T (p.Thr1049Ser)

Gene: SOS1 (SOS Ras/Rac guanine nucleotide exchange factor 1; minus strand). Cytogenetic location: 2p22.1.
Variant type: single nucleotide variant.
Coding change: c.3145A>T on transcript NM_005633.4 (MANE Select); coding-DNA position 3145, A replaced by T.
Protein change: p.Thr1049Ser; replaces threonine 1049 with serine.
Molecular consequence: missense variant.
Genome position (GRCh38, 1-based): chr2:38,995,324, T>A on the plus strand (A>T on the coding strand, the complement: SOS1 is on the minus strand). VCF-style: chr2-38995324-T-A. GRCh37 (hg19) VCF-style: chr2-39222465-T-A.
Other names: c.3124A>T, p.Thr1042Ser (NM_001382394.1); c.3145A>T, p.Thr1049Ser (NM_001382395.1); short protein forms T1049S, T1042S.
Identifiers: ClinVar variation 848067 (VCV000848067.8), dbSNP rs1668858649, ClinGen allele CA346361134.

ClinVar aggregate classification (germline): Uncertain significance. Review status: criteria provided, multiple submitters, no conflicts (2 of 4 stars). 2 submissions from 2 submitters: Uncertain significance (2). Last evaluated 2024-12-14.

Conditions:
Cardiovascular phenotype. Identifiers: MedGen CN230736.
RASopathy. Also called: rasopathies; Noonan spectrum disorder. Identifiers: Orphanet 536391, MedGen C5555857, MONDO:0021060.

Submissions (2):

Ambry Genetics
Classification: Uncertain significance for Cardiovascular phenotype. Last evaluated: 2024-12-14. Review status: criteria provided, single submitter. Criteria: Ambry Variant Classification Scheme 2023. Collection method: clinical testing. Allele origin: germline.
Comment: The p.T1049S variant (also known as c.3145A>T), located in coding exon 20 of the SOS1 gene, results from an A to T substitution at nucleotide position 3145. The threonine at codon 1049 is replaced by serine, an amino acid with similar properties. This amino acid position is conserved. In addition, this alteration is predicted to be tolerated by in silico analysis. Based on the available evidence, the clinical significance of this variant remains unclear.

Labcorp Genetics (formerly Invitae), Labcorp
Classification: Uncertain significance for RASopathy. Last evaluated: 2024-08-06. Review status: criteria provided, single submitter. Criteria: Invitae Variant Classification Sherloc (09022015). Collection method: clinical testing. Allele origin: germline.
Comment: This sequence change replaces threonine, which is neutral and polar, with serine, which is neutral and polar, at codon 1049 of the SOS1 protein (p.Thr1049Ser). This variant is not present in population databases (gnomAD no frequency). This variant has not been reported in the literature in individuals affected with SOS1-related conditions. ClinVar contains an entry for this variant (Variation ID: 848067). Advanced modeling of protein sequence and biophysical properties (such as structural, functional, and spatial information, amino acid conservation, physicochemical variation, residue mobility, and thermodynamic stability) performed at Invitae indicates that this missense variant is not expected to disrupt SOS1 protein function with a negative predictive value of 80%. In summary, the available evidence is currently insufficient to determine the role of this variant in disease. Therefore, it has been classified as a Variant of Uncertain Significance.